The following is an entry in ClinVar:

NM_182961.4(SYNE1):c.9788C>T (p.Ala3263Val)

Gene: SYNE1 (spectrin repeat containing nuclear envelope protein 1; minus strand). Cytogenetic location: 6q25.2.
Variant type: single nucleotide variant.
Coding change: c.9788C>T on transcript NM_182961.4 (MANE Select); coding-DNA position 9788, C replaced by T.
Protein change: p.Ala3263Val; replaces alanine 3263 with valine.
Molecular consequence: missense variant.
Genome position (GRCh38, 1-based): chr6:152,368,991, G>A on the plus strand (C>T on the coding strand, the complement: SYNE1 is on the minus strand). VCF-style: chr6-152368991-G-A. GRCh37 (hg19) VCF-style: chr6-152690126-G-A.
Other names: c.9809C>T, p.Ala3270Val (NM_033071.5); short protein forms A3263V, A3270V.
Identifiers: ClinVar variation 471061 (VCV000471061.8), dbSNP rs780460827, ClinGen allele CA4057211.
Genomic context (GRCh38, chr6:152,368,991, plus strand): 5'-CATCAGTATCACACTCACACACAGCACGTGCCAGGCGTTACCTTTGTTAAATTGCTTAGC[G>A]CTAGATACTGAGAAGACAGCTGCGACACTCTGTGCCTAAAGCTCTTGCTGGCAGCTTGTC-3'
Protein context (NP_892006.3, residues 3253-3273): RVSQLSSQYL[Ala3263Val]LSNLTKEKVS

ClinVar aggregate classification (germline): Uncertain significance (1 of 4 stars; one submission).

Conditions:
Emery-Dreifuss muscular dystrophy 4, autosomal dominant (EDMD4). Also called: EMERY-DREIFUSS MUSCULAR DYSTROPHY 4 WITH VARIABLE FEATURES. Identifiers: Orphanet 261, MedGen C2751807, MONDO:0013071, OMIM 612998.
Autosomal recessive ataxia, Beauce type. Also called: SYNE1-Related Autosomal Recessive Cerebellar Ataxia; Spinocerebellar ataxia, autosomal recessive 8; ATAXIA, RECESSIVE, OF BEAUCE; SYNE1 Deficiency. Identifiers: Orphanet 88644, MedGen C1853116, MONDO:0012549, OMIM 610743.

Allele frequency attached by ClinVar (database versions not stated): ExAC 0.00002; gnomAD exomes 0.00002; TOPMed 0.00002.
gnomAD v4.1: 15 of 1,614,020 alleles (0.00093%); highest among the groups gnomAD compares: African/African-American, 0.0027%; no homozygotes.

Submission:

Labcorp Genetics (formerly Invitae), Labcorp
Classification: Uncertain significance for Emery-Dreifuss muscular dystrophy 4, autosomal dominant; Autosomal recessive ataxia, Beauce type. Last evaluated: 2024-11-01. Review status: criteria provided, single submitter. Criteria: Invitae Variant Classification Sherloc (09022015). Collection method: clinical testing. Allele origin: germline.
Comment: This sequence change replaces alanine, which is neutral and non-polar, with valine, which is neutral and non-polar, at codon 3270 of the SYNE1 protein (p.Ala3270Val). This variant is present in population databases (rs780460827, gnomAD 0.02%). This variant has not been reported in the literature in individuals affected with SYNE1-related conditions. ClinVar contains an entry for this variant (Variation ID: 471061). An algorithm developed to predict the effect of missense changes on protein structure and function (PolyPhen-2) suggests that this variant is likely to be tolerated. In summary, the available evidence is currently insufficient to determine the role of this variant in disease. Therefore, it has been classified as a Variant of Uncertain Significance.